The following is an entry in ClinVar:

NM_003998.4(NFKB1):c.1896C>T (p.Leu632=)

Gene: NFKB1 (nuclear factor kappa B subunit 1; plus strand). Cytogenetic location: 4q24.
Variant type: single nucleotide variant.
Coding change: c.1896C>T on transcript NM_003998.4 (MANE Select); coding-DNA position 1896, C replaced by T.
Protein change: p.Leu632=; no amino-acid change (leucine 632 retained).
Molecular consequence: synonymous variant.
Genome position (GRCh38, 1-based): chr4:102,606,639, C>T. VCF-style: chr4-102606639-C-T. GRCh37 (hg19) VCF-style: chr4-103527796-C-T.
Other names: c.1893C>T, p.Leu631= (NM_001165412.2, NM_001319226.2, NM_001382627.1); c.1896C>T, p.Leu632= (NM_001382625.1, NM_001382626.1); c.1854C>T, p.Leu618= (NM_001382628.1).
Identifiers: ClinVar variation 4846872 (VCV004846872.1).

ClinVar aggregate classification (germline): Uncertain significance (1 of 4 stars; one submission).

Conditions:
Immunodeficiency, common variable, 12 (CVID12). Also called: IMMUNODEFICIENCY, COMMON VARIABLE, 12, WITH AUTOIMMUNITY; NFKB1 DEFICIENCY. Identifiers: Orphanet 1572, Orphanet 696874, MedGen C4225277, MONDO:0014697, OMIM 616576.

Submission:

Laboratorio de Genetica e Diagnostico Molecular, Hospital Israelita Albert Einstein
Classification: Uncertain significance for Immunodeficiency, common variable, 12. Last evaluated: 2026-03-13. Review status: criteria provided, single submitter. Criteria: ACMG Guidelines, 2015. Collection method: clinical testing. Allele origin: germline. Affected: yes.
Comment: ACMG classification criteria: PM2 supporting, BP7 supporting